The following is an entry in ClinVar:

ClinVar aggregate classification (germline): no classifications from unflagged records (0 of 4 stars; one submission).

Conditions:
Atonic seizure. Also called: Atonic seizures. Identifiers: MedGen C0270846, HP:0010819.
Microcephaly. Also called: Microcephaly (disease). Identifiers: MedGen C4551563, MONDO:0001149, HP:0000252.
Status epilepticus. Also called: Repeated seizure without recovery. Identifiers: MedGen C0038220, HP:0002133, MONDO:0002125.

Submission:

Institute of Human Genetics, University of Leipzig Medical Center
Classification: Uncertain significance for Microcephaly; Delayed speech and language development; Hypotonia; Status epilepticus; Generalized tonic seizure; Atonic seizure. Last evaluated: 2021-11-26. Review status: flagged submission. Criteria: ACMG/ClinGen CNV Guidelines, 2019. Collection method: clinical testing. Allele origin: de novo. Affected: yes.
ClinVar note: Notes: This submission was flagged because its interpretation of this variant conflicts with the ClinGen Gene Dosage Map curation for the gene STS.
ClinVar note: Reason: Conflict with ClinGen Gene Dosage Map

GRCh37/hg19 Xp22.31(chrX:6624655-7894210)x1

Genes: PNPLA4 (patatin like domain 4, phospholipase and triacylglycerol lipase; minus strand), PUDP (pseudouridine 5'-phosphatase; minus strand), STS (steroid sulfatase; plus strand), VCX (variable charge X-linked; plus strand). Cytogenetic location: Xp22.31.
Variant type: copy number loss.
Change: copy number 1 of chrX:6,624,655-7,894,210 (1.27 Mb, GRCh37 coordinates, 1-based), cytogenetic band Xp22.31.
Identifiers: ClinVar variation 1330205 (VCV001330205.1).